The following is an entry in ClinVar:

NM_007315.4(STAT1):c.15C>T (p.Tyr5=)

Gene: STAT1 (signal transducer and activator of transcription 1; minus strand). Cytogenetic location: 2q32.2.
Variant type: single nucleotide variant.
Coding change: c.15C>T on transcript NM_007315.4 (MANE Select); coding-DNA position 15, C replaced by T.
Protein change: p.Tyr5=; no amino-acid change (tyrosine 5 retained).
Molecular consequence: synonymous variant.
Genome position (GRCh38, 1-based): chr2:191,009,989, G>A on the plus strand (C>T on the coding strand, the complement: STAT1 is on the minus strand). VCF-style: chr2-191009989-G-A. GRCh37 (hg19) VCF-style: chr2-191874715-G-A.
Other names: c.15C>T, p.Tyr5= (NM_001384880.1, NM_001384882.1, NM_001384883.1 and 8 more transcripts); c.21C>T, p.Tyr7= (NM_001384881.1, NM_001384884.1).
Identifiers: ClinVar variation 3035823 (VCV003035823.3), dbSNP rs767430601, ClinGen allele CA2030332.

ClinVar aggregate classification (germline): Likely benign. Review status: criteria provided, single submitter (1 of 4 stars). 2 submissions from 2 submitters: Likely benign (1). 1 of the submissions does not count toward it. Last evaluated 2020-11-05.

Conditions:
STAT1-related disorder. Also called: STAT1-related condition.

Allele frequency attached by ClinVar (database versions not stated): gnomAD exomes 0.00001; TOPMed 0.00001; ExAC 0.00002.
gnomAD v4.1: 5 of 1,613,800 alleles (0.00031%); highest among the groups gnomAD compares: Non-Finnish European, 0.00034%; no homozygotes.

Submissions (2):

Blueprint Genetics
Classification: Likely benign. Last evaluated: 2020-11-05. Review status: criteria provided, single submitter. Criteria: ACMG Guidelines, 2015. Collection method: clinical testing. Allele origin: germline.

PreventionGenetics, part of Exact Sciences
Classification: Likely benign for STAT1-related condition. Last evaluated: 2024-02-01. Review status: no assertion criteria provided. Collection method: clinical testing. Allele origin: germline. Not counted in ClinVar's aggregate classification.
Comment: This variant is classified as likely benign based on ACMG/AMP sequence variant interpretation guidelines (Richards et al. 2015 PMID: 25741868, with internal and published modifications).